The following is an entry in ClinVar:

ClinVar aggregate classification (germline): Likely pathogenic (1 of 4 stars; one submission).

Conditions:
RNU2-2 related neurodevelopmental disorder.

Submission:

Kasturba Medical College, Manipal, Kasturba Medical College, Manipal, Manipal Academy of Higher Education, Manipal, India
Classification: Likely pathogenic for RNU2-2 related neurodevelopmental disorder. Last evaluated: 2026-06-02. Review status: criteria provided, single submitter. Criteria: ACMG Guidelines, 2015. Collection method: research. Allele origin: biparental. Inheritance: Codominant. Affected: yes. Observed: 1 variant allele, 1 homozygote.
Comment: This variant is present in 11 individuals in heterozygous state and absent in homozygous state in gnomAD population database (v4.1.0).

Literature cited by the submitters: PubMed 41912934; PubMed 41912932.

NR_199791.1:n.45C>T

Gene: RNU2-2 (RNA, U2 small nuclear 2; minus strand).
Variant type: single nucleotide variant.
Identifiers: ClinVar variation 4857205 (VCV004857205.1).